The following is an entry in ClinVar:

NM_001020658.2(PUM1):c.1249A>C (p.Ile417Leu)

Gene: PUM1 (pumilio RNA binding family member 1; minus strand). Cytogenetic location: 1p35.2.
Variant type: single nucleotide variant.
Coding change: c.1249A>C on transcript NM_001020658.2 (MANE Select); coding-DNA position 1249, A replaced by C.
Protein change: p.Ile417Leu; replaces isoleucine 417 with leucine.
Molecular consequence: missense variant.
Genome position (GRCh38, 1-based): chr1:30,981,315, T>G on the plus strand (A>C on the coding strand, the complement: PUM1 is on the minus strand). VCF-style: chr1-30981315-T-G. GRCh37 (hg19) VCF-style: chr1-31454162-T-G.
Other names: c.1249A>C, p.Ile417Leu (NM_014676.3); short protein forms I417L.
Identifiers: ClinVar variation 4881706 (VCV004881706.2).

ClinVar aggregate classification (germline): Uncertain significance (1 of 4 stars; one submission).

gnomAD v4.1: 2 of 1,589,238 alleles (0.00013%); highest among the groups gnomAD compares: South Asian, 0.0011%; no homozygotes.

Submission:

Dasa
Classification: Uncertain significance. Last evaluated: 2025-09-11. Review status: criteria provided, single submitter. Criteria: DASA Assertion Criteria. Collection method: clinical testing. Allele origin: germline.
Comment: NM_001020658.2(PUM1):c.1249A>C (p.Ile417Leu) is a missense variant that results in the substitution of isoleucine with leucine. This variant is rare in population databases. Computational prediction algorithms are consistent with a benign effect. The currently available literature and clinical evidence are not sufficient to establish a definitive association between this variant and the reported condition. Therefore, this variant is classified as a variant of uncertain significance.